The following is an entry in ClinVar:

NM_001378778.1(MPDZ):c.3772C>G (p.Leu1258Val)

Gene: MPDZ (multiple PDZ domain crumbs cell polarity complex component; minus strand). Cytogenetic location: 9p23.
Variant type: single nucleotide variant.
Coding change: c.3772C>G on transcript NM_001378778.1 (MANE Select); coding-DNA position 3772, C replaced by G.
Protein change: p.Leu1258Val; replaces leucine 1258 with valine.
Molecular consequence: missense variant. On other transcripts: intron variant (14).
Genome position (GRCh38, 1-based): chr9:13,143,534, G>C on the plus strand (C>G on the coding strand, the complement: MPDZ is on the minus strand). VCF-style: chr9-13143534-G-C. GRCh37 (hg19) VCF-style: chr9-13143533-G-C.
Other names: c.3772C>G, p.Leu1258Val (NM_001330637.2, NM_001375413.1, NM_003829.5); c.3631-3385C>G (NM_001375425.1, NM_001375420.1, NM_001375423.1 and 4 more transcripts); c.3742-3385C>G (NM_001375419.1, NM_001375416.1, NM_001375418.1 and 3 more transcripts); c.3433-3385C>G (NM_001375427.1); short protein forms L1258V.
Identifiers: ClinVar variation 1465775 (VCV001465775.6), dbSNP rs2132629810, ClinGen allele CA372950099.
Genomic context (GRCh38, chr9:13,143,534, plus strand): 5'-CGTTGATTTGTAGAGAGTCAGCAAATGGGTTAGTGCTGCTGAAGTTGTACTTAGGGTAAA[G>C]GTTGTGCAGCAAGGAAGGCAAAGGGGATTTCTAAAAGGAAACATAAGAGGCGCTGAACGC-3'
Protein context (NP_001365707.1, residues 1248-1268): KSPLPSLLHN[Leu1258Val]YPKYNFSSTN

ClinVar aggregate classification (germline): Uncertain significance (1 of 4 stars; one submission).

Submission:

Labcorp Genetics (formerly Invitae), Labcorp
Classification: Uncertain significance. Last evaluated: 2022-03-09. Review status: criteria provided, single submitter. Criteria: Invitae Variant Classification Sherloc (09022015). Collection method: clinical testing. Allele origin: germline.
Comment: In summary, the available evidence is currently insufficient to determine the role of this variant in disease. Therefore, it has been classified as a Variant of Uncertain Significance. Algorithms developed to predict the effect of missense changes on protein structure and function are either unavailable or do not agree on the potential impact of this missense change (SIFT: "Deleterious"; PolyPhen-2: "Benign"; Align-GVGD: "Class C25"). This variant has not been reported in the literature in individuals affected with MPDZ-related conditions. This variant is not present in population databases (gnomAD no frequency). This sequence change replaces leucine, which is neutral and non-polar, with valine, which is neutral and non-polar, at codon 1258 of the MPDZ protein (p.Leu1258Val).